The following is an entry in ClinVar:

ClinVar aggregate classification (germline): Uncertain significance (1 of 4 stars; one submission).

Submission:

GeneDx
Classification: Uncertain significance. Last evaluated: 2025-02-20. Review status: criteria provided, single submitter. Criteria: GeneDx Variant Classification Process June 2021. Collection method: clinical testing. Allele origin: germline. Affected: yes.
Comment: Not observed at significant frequency in large population cohorts (gnomAD); In silico analysis supports that this missense variant has a deleterious effect on protein structure/function; Has not been previously published as pathogenic or benign to our knowledge

NM_001375524.1(TRRAP):c.11326C>A (p.Pro3776Thr)

Gene: TRRAP (transformation/transcription domain associated protein; plus strand). Cytogenetic location: 7q22.1.
Variant type: single nucleotide variant.
Coding change: c.11326C>A on transcript NM_001375524.1 (MANE Select); coding-DNA position 11326, C replaced by A.
Protein change: p.Pro3776Thr; replaces proline 3776 with threonine.
Molecular consequence: missense variant.
Genome position (GRCh38, 1-based): chr7:99,011,524, C>A. VCF-style: chr7-99011524-C-A. GRCh37 (hg19) VCF-style: chr7-98609147-C-A.
Other names: c.11284C>A, p.Pro3762Thr (NM_001244580.2); c.11197C>A, p.Pro3733Thr (NM_003496.4); short protein forms P3733T, P3762T, P3776T.
Identifiers: ClinVar variation 4076867 (VCV004076867.1).